The following is an entry in ClinVar:

ClinVar aggregate classification (germline): Uncertain significance (1 of 4 stars; one submission).

Submission:

Labcorp Genetics (formerly Invitae), Labcorp
Classification: Uncertain significance. Last evaluated: 2024-11-11. Review status: criteria provided, single submitter. Criteria: Invitae Variant Classification Sherloc (09022015). Collection method: clinical testing. Allele origin: germline.
Comment: This sequence change replaces alanine, which is neutral and non-polar, with glycine, which is neutral and non-polar, at codon 7 of the COQ7 protein (p.Ala7Gly). This variant is not present in population databases (gnomAD no frequency). This variant has not been reported in the literature in individuals affected with COQ7-related conditions. ClinVar contains an entry for this variant (Variation ID: 1371564). An algorithm developed to predict the effect of missense changes on protein structure and function (PolyPhen-2) suggests that this variant is likely to be tolerated. Algorithms developed to predict the effect of sequence changes on RNA splicing suggest that this variant may disrupt the consensus splice site. In summary, the available evidence is currently insufficient to determine the role of this variant in disease. Therefore, it has been classified as a Variant of Uncertain Significance.

NM_016138.5(COQ7):c.20C>G (p.Ala7Gly)

Genes: COQ7 (coenzyme Q7, hydroxylase; plus strand), COQ7-DT (COQ7 divergent transcript; minus strand), LOC130058587 (ATAC-STARR-seq lymphoblastoid silent region 7240; plus strand). Cytogenetic location: 16p12.3.
Variant type: single nucleotide variant.
Coding change: c.20C>G on transcript NM_016138.5 (MANE Select); coding-DNA position 20, C replaced by G.
Protein change: p.Ala7Gly; replaces alanine 7 with glycine.
Molecular consequence: missense variant. On other transcripts: non-coding transcript variant (5).
Genome position (GRCh38, 1-based): chr16:19,067,684, C>G. VCF-style: chr16-19067684-C-G. GRCh37 (hg19) VCF-style: chr16-19079006-C-G.
Other names: c.20C>G, p.Ala7Gly (NM_001370490.1); short protein forms A7G.
Identifiers: ClinVar variation 1371564 (VCV001371564.6), dbSNP rs751620448, ClinGen allele CA394916981.
Genomic context (GRCh38, chr16:19,067,684, plus strand): 5'-AGTTCCGTTCAACGAAGTGGTTGCTTTTTTTAGTTCCGGCAATGAGTTGCGCCGGGGCGG[C>G]GGCGGCTCCCCGCCTTTGGCGGCTGCGCCCGGGGGCCCGGCGGTCCCTCTCAGGTAAAAG-3'
Protein context (NP_057222.2, residues 1-17): MSCAGA[Ala7Gly]AAPRLWRLRP